The following is an entry in ClinVar:

ClinVar aggregate classification (germline): Uncertain significance (1 of 4 stars; one submission).

Conditions:
Congenital contractural arachnodactyly (CCA). Also called: BEALS SYNDROME; Beals-Hecht syndrome; Arthrogryposis, distal, type 9. Identifiers: Orphanet 115, MedGen C0220668, MONDO:0007363, OMIM 121050.

gnomAD v4.1: 1 of 1,613,736 alleles (0.000062%); highest among the groups gnomAD compares: South Asian, 0.0011%; no homozygotes.

Submission:

Labcorp Genetics (formerly Invitae), Labcorp
Classification: Uncertain significance for Congenital contractural arachnodactyly. Last evaluated: 2024-02-14. Review status: criteria provided, single submitter. Criteria: Invitae Variant Classification Sherloc (09022015). Collection method: clinical testing. Allele origin: germline.
Comment: This sequence change creates a premature translational stop signal (p.Gln1424*) in the FBN2 gene. It is expected to result in an absent or disrupted protein product. However, the current clinical and genetic evidence is not sufficient to establish whether loss-of-function variants in FBN2 cause disease. This variant is present in population databases (rs763253954, gnomAD 0.003%). This variant has not been reported in the literature in individuals affected with FBN2-related conditions. In summary, the available evidence is currently insufficient to determine the role of this variant in disease. Therefore, it has been classified as a Variant of Uncertain Significance.

NM_001999.4(FBN2):c.4270C>T (p.Gln1424Ter)

Gene: FBN2 (fibrillin 2; minus strand). Cytogenetic location: 5q23.3.
Variant type: single nucleotide variant.
Coding change: c.4270C>T on transcript NM_001999.4 (MANE Select); coding-DNA position 4270, C replaced by T.
Protein change: p.Gln1424Ter; replaces glutamine 1424 with a stop codon.
Molecular consequence: nonsense.
Genome position (GRCh38, 1-based): chr5:128,330,648, G>A on the plus strand (C>T on the coding strand, the complement: FBN2 is on the minus strand). VCF-style: chr5-128330648-G-A. GRCh37 (hg19) VCF-style: chr5-127666340-G-A.
Other names: short protein forms Q1424*.
Identifiers: ClinVar variation 3670760 (VCV003670760.2).